The following is an entry in ClinVar:

NM_012309.5(SHANK2):c.4830_4831del (p.Glu1610fs)

Gene: SHANK2 (SH3 and multiple ankyrin repeat domains 2; minus strand). Cytogenetic location: 11q13.3.
Variant type: Microsatellite.
Coding change: c.4830_4831del on transcript NM_012309.5 (MANE Select); coding-DNA positions 4830 to 4831, 2 bases deleted (GA; older notation c.4830_4831delGA).
Protein change: p.Glu1610fs; shifts the reading frame from glutamic acid 1610.
Molecular consequence: frameshift variant.
Genome position (GRCh38, 1-based): chr11:70,485,462-70,485,463, TC deleted on the plus strand (GA on the coding strand, the reverse complement: SHANK2 is on the minus strand); deleting any 2 consecutive bases within chr11:70,485,462-70,485,466 gives the same sequence; the c. name uses the placement nearest the transcript's 3' end. VCF-style (leftmost placement, unchanged base first): chr11-70485461-ATC-A. GRCh37 (hg19) VCF-style: chr11-70331566-ATC-A.
Other names: c.4779_4780del, p.Glu1593fs (NM_001441034.1, NM_001441039.1, NM_001441025.1 and 8 more transcripts); c.4752_4753del, p.Glu1584fs (NM_001441035.1, NM_001441036.1, NM_001441037.1); c.4707_4708del, p.Glu1569fs (NM_001441038.1); c.3663_3664del, p.Glu1221fs (NM_001441040.1); c.3615_3616del, p.Glu1205fs (NM_001441041.1); c.3693_3694del, p.Glu1231fs (NM_001379226.1); c.4950_4951del, p.Glu1650fs (NM_001441024.1); c.3057_3058del, p.Glu1019fs (NM_001441042.1); and 6 more; short protein forms E1005fs, E1205fs, E996fs, E1022fs, E1593fs, E1012fs, E1221fs, E1015fs.
Identifiers: ClinVar variation 5029537 (VCV005029537.1).

ClinVar aggregate classification (germline): Pathogenic (1 of 4 stars; one submission).

Conditions:
Inborn genetic diseases. Identifiers: MedGen C0950123, MeSH D030342.

Submission:

Ambry Genetics
Classification: Pathogenic for Inborn genetic diseases. Last evaluated: 2026-07-02. Review status: criteria provided, single submitter. Criteria: Ambry Variant Classification Scheme 2023. Collection method: clinical testing. Allele origin: germline.
Comment: The c.3066_3067delGA (p.E1022Dfs*15) alteration, located in exon 10 (coding exon 10) of the SHANK2 gene, consists of a deletion of 2 nucleotides from position 3066 to 3067, causing a translational frameshift with a predicted alternate stop codon after 15 amino acids. This variant is expected to result in loss of function by premature protein truncation or nonsense-mediated mRNA decay. This variant was not reported in population-based cohorts in the Genome Aggregation Database (gnomAD). Based on the available evidence, this alteration is classified as pathogenic.